The following is an entry in ClinVar:

ClinVar aggregate classification (germline): Likely benign. Review status: criteria provided, multiple submitters, no conflicts (2 of 4 stars). 3 submissions from 3 submitters: Likely benign (3). Last evaluated 2026-01-13.

Allele frequency attached by ClinVar (database versions not stated): gnomAD 0.00001 and 0.00002; ExAC 0.00002; gnomAD exomes 0.00002 and 0.00004; TOPMed 0.00002; 1000 Genomes Project 30x 0.00016; 1000 Genomes Project 0.00020.
gnomAD v4.1: 35 of 1,613,044 alleles (0.0022%); highest among the groups gnomAD compares: East Asian, 0.0067%; no homozygotes.

Submissions (3):

Labcorp Genetics (formerly Invitae), Labcorp
Classification: Likely benign. Last evaluated: 2026-01-13. Review status: criteria provided, single submitter. Criteria: Invitae Variant Classification Sherloc (09022015). Collection method: clinical testing. Allele origin: germline.

CeGaT Center for Human Genetics Tuebingen
Classification: Likely benign. Last evaluated: 2022-07-01. Review status: criteria provided, single submitter. Criteria: CeGaT Center For Human Genetics Tuebingen Variant Classification Criteria Version 2. Collection method: clinical testing. Allele origin: germline. Affected: yes. Observed: 1 variant allele.
Comment: LAMA3: BP4, BP7

Breakthrough Genomics
Classification: Likely benign. Review status: criteria provided, single submitter. Criteria: ACMG Guidelines, 2015. Collection method: not provided. Allele origin: germline. Inheritance: Autosomal recessive inheritance. Affected: yes.

NM_198129.4(LAMA3):c.8526G>A (p.Thr2842=)

Gene: LAMA3 (laminin subunit alpha 3; plus strand). Cytogenetic location: 18q11.2.
Variant type: single nucleotide variant.
Coding change: c.8526G>A on transcript NM_198129.4 (MANE Select); coding-DNA position 8526, G replaced by A.
Protein change: p.Thr2842=; no amino-acid change (threonine 2842 retained).
Molecular consequence: synonymous variant.
Genome position (GRCh38, 1-based): chr18:23,931,151, G>A. VCF-style: chr18-23931151-G-A. GRCh37 (hg19) VCF-style: chr18-21511115-G-A.
Other names: c.3699G>A, p.Thr1233= (NM_000227.6); c.8358G>A, p.Thr2786= (NM_001127717.4); c.3531G>A, p.Thr1177= (NM_001127718.4).
Identifiers: ClinVar variation 795427 (VCV000795427.42), dbSNP rs546328935, ClinGen allele CA8916937.